The following is an entry in ClinVar:

ClinVar aggregate classification (germline): Benign (1 of 4 stars; one submission).

Submission:

GeneDx
Classification: Benign. Last evaluated: 2018-06-14. Review status: criteria provided, single submitter. Criteria: GeneDx Variant Classification (06012015). Collection method: clinical testing. Allele origin: germline. Affected: yes.
Comment: This variant is considered likely benign or benign based on one or more of the following criteria: it is a conservative change, it occurs at a poorly conserved position in the protein, it is predicted to be benign by multiple in silico algorithms, and/or has population frequency not consistent with disease.

NM_001854.4(COL11A1):c.3600+87del

Gene: COL11A1 (collagen type XI alpha 1 chain; minus strand). Cytogenetic location: 1p21.1.
Variant type: Deletion.
Coding change: c.3600+87del on transcript NM_001854.4 (MANE Select); 87 bases into the intron after coding-DNA position 3600, one base deleted (T; older notation c.3600+87delT).
Molecular consequence: intron variant.
Genome position (GRCh38, 1-based): chr1:102,934,362, A deleted on the plus strand (T on the coding strand, the reverse complement: COL11A1 is on the minus strand); the first of 7 consecutive A bases (chr1:102,934,362-102,934,368); deleting any one gives the same sequence. VCF-style (leftmost placement, unchanged base first): chr1-102934361-GA-G. GRCh37 (hg19) VCF-style: chr1-103399917-GA-G.
Other names: c.3483+87del (NM_001190709.2); c.3636+87del (NM_080629.3); c.3252+87del (NM_080630.4).
Identifiers: ClinVar variation 675113 (VCV000675113.1), dbSNP rs113900968, ClinGen allele CA27692083.
Genomic context (GRCh38, chr1:102,934,361, plus strand): 5'-TTAAAAATAAAATGATCTTTATGGATAAACATTGTACCCAAGTTCTTACGTAGAAAAAAA[GA>G]AAAAAATACTTTGTTTTACATCCACCAGAAAACCTGGTGAGAAGTAGGTAGAAATGATGG-3'